The following is an entry in ClinVar:

NM_003060.4(SLC22A5):c.1586G>C (p.Gly529Ala)

Gene: SLC22A5 (solute carrier family 22 member 5; plus strand). Cytogenetic location: 5q31.1.
Variant type: single nucleotide variant.
Coding change: c.1586G>C on transcript NM_003060.4 (MANE Select); coding-DNA position 1586, G replaced by C.
Protein change: p.Gly529Ala; replaces glycine 529 with alanine.
Molecular consequence: missense variant.
Genome position (GRCh38, 1-based): chr5:132,393,811, G>C. VCF-style: chr5-132393811-G-C. GRCh37 (hg19) VCF-style: chr5-131729503-G-C.
Other names: c.1658G>C, p.Gly553Ala (NM_001308122.2); short protein forms G553A, G529A.
Identifiers: ClinVar variation 1441549 (VCV001441549.3), dbSNP rs201307440, ClinGen allele CA360810077.

ClinVar aggregate classification (germline): Uncertain significance (1 of 4 stars; one submission).

Conditions:
Renal carnitine transport defect (CDSP). Also called: CARNITINE DEFICIENCY, SYSTEMIC, DUE TO DEFECT IN RENAL REABSORPTION OF CARNITINE; CARNITINE TRANSPORTER, PLASMA-MEMBRANE, DEFICIENCY OF; CARNITINE UPTAKE DEFECT; Carnitine transporter deficiency; Carnitine Deficiency, Systemic; Systemic primary carnitine deficiency. Identifiers: Orphanet 158, MedGen C0342788, MONDO:0008919, OMIM 212140.

gnomAD v4.1: 1 of 1,614,122 alleles (0.000062%); highest among the groups gnomAD compares: Non-Finnish European, 0.000085%; no homozygotes.

Submission:

Labcorp Genetics (formerly Invitae), Labcorp
Classification: Uncertain significance for Renal carnitine transport defect. Last evaluated: 2022-06-04. Review status: criteria provided, single submitter. Criteria: Invitae Variant Classification Sherloc (09022015). Collection method: clinical testing. Allele origin: germline.
Comment: This sequence change replaces glycine, which is neutral and non-polar, with alanine, which is neutral and non-polar, at codon 529 of the SLC22A5 protein (p.Gly529Ala). This variant also falls at the last nucleotide of exon 9, which is part of the consensus splice site for this exon. This variant is not present in population databases (gnomAD no frequency). This variant has not been reported in the literature in individuals affected with SLC22A5-related conditions. ClinVar contains an entry for this variant (Variation ID: 1441549). Algorithms developed to predict the effect of missense changes on protein structure and function (SIFT, PolyPhen-2, Align-GVGD) all suggest that this variant is likely to be tolerated. Variants that disrupt the consensus splice site are a relatively common cause of aberrant splicing (PMID: 17576681, 9536098). Algorithms developed to predict the effect of sequence changes on RNA splicing suggest that this variant may disrupt the consensus splice site. In summary, the available evidence is currently insufficient to determine the role of this variant in disease. Therefore, it has been classified as a Variant of Uncertain Significance.

Literature cited by the submitters: PubMed 17576681; PubMed 9536098.